The following is an entry in ClinVar:

ClinVar aggregate classification (germline): Uncertain significance (1 of 4 stars; one submission).

Allele frequency attached by ClinVar (database versions not stated): gnomAD 0.00001; gnomAD exomes 0.00002; TOPMed 0.00002; ExAC 0.00005.
gnomAD v4.1: 23 of 1,608,310 alleles (0.0014%); highest among the groups gnomAD compares: South Asian, 0.017%; no homozygotes.

Submission:

Labcorp Genetics (formerly Invitae), Labcorp
Classification: Uncertain significance. Last evaluated: 2023-03-08. Review status: criteria provided, single submitter. Criteria: Invitae Variant Classification Sherloc (09022015). Collection method: clinical testing. Allele origin: germline.
Comment: In summary, the available evidence is currently insufficient to determine the role of this variant in disease. Therefore, it has been classified as a Variant of Uncertain Significance. Advanced modeling of protein sequence and biophysical properties (such as structural, functional, and spatial information, amino acid conservation, physicochemical variation, residue mobility, and thermodynamic stability) performed at Invitae indicates that this missense variant is not expected to disrupt HNF1A protein function. This variant has not been reported in the literature in individuals affected with HNF1A-related conditions. This variant is present in population databases (rs748212314, gnomAD 0.01%). This sequence change replaces threonine, which is neutral and polar, with methionine, which is neutral and non-polar, at codon 74 of the HNF1A protein (p.Thr74Met).

NM_000545.8(HNF1A):c.221C>T (p.Thr74Met)

Gene: HNF1A (HNF1 homeobox A; plus strand). Cytogenetic location: 12q24.31.
Variant type: single nucleotide variant.
Coding change: c.221C>T on transcript NM_000545.8 (MANE Select); coding-DNA position 221, C replaced by T.
Protein change: p.Thr74Met; replaces threonine 74 with methionine.
Molecular consequence: missense variant.
Genome position (GRCh38, 1-based): chr12:120,978,989, C>T. VCF-style: chr12-120978989-C-T. GRCh37 (hg19) VCF-style: chr12-121416792-C-T.
Other names: c.221C>T, p.Thr74Met (NM_001306179.2, NM_001406915.1); short protein forms T74M.
Identifiers: ClinVar variation 2755525 (VCV002755525.1), dbSNP rs748212314, ClinGen allele CA6831690.